The following is an entry in ClinVar:

ClinVar aggregate classification (germline): Uncertain significance. Review status: criteria provided, multiple submitters, no conflicts (2 of 4 stars). 2 submissions from 2 submitters: Uncertain significance (2). Last evaluated 2025-06-04.

Conditions:
Ehlers-Danlos syndrome, type 4 (EDSVASC). Also called: Ehlers-Danlos Syndrome Type IV; Ehlers-Danlos syndrome vascular type; Ehlers Danlos syndrome, ecchymotic type; Ehlers Danlos syndrome, arterial type; Ehlers Danlos syndrome, Sack-Barabas type. Identifiers: Orphanet 286, MedGen C0268338, MONDO:0017314, OMIM 130050.

Allele frequency attached by ClinVar (database versions not stated): gnomAD exomes below 0.00001.
gnomAD v4.1: 3 of 1,614,152 alleles (0.00019%); highest among the groups gnomAD compares: Non-Finnish European, 0.00025%; no homozygotes.

Submissions (2):

GeneDx
Classification: Uncertain significance. Last evaluated: 2025-06-04. Review status: criteria provided, single submitter. Criteria: GeneDx Variant Classification Process June 2021. Collection method: clinical testing. Allele origin: germline. Affected: yes.
Comment: Not observed at significant frequency in large population cohorts (gnomAD); In silico analysis suggests that this missense variant does not alter protein structure/function; Has not been previously published as pathogenic or benign to our knowledge; Occurs in the triple helical domain at the X position in the canonical Gly-X-Y repeat; although this variant may have an effect on normal protein folding and function, missense substitution at the X position is not a common mechanism of disease (HGMD)

All of Us Research Program, National Institutes of Health
Classification: Uncertain significance for Ehlers-Danlos syndrome, type 4. Last evaluated: 2023-10-06. Review status: criteria provided, single submitter. Criteria: ACMG Guidelines, 2015. Collection method: clinical testing. Allele origin: germline. Inheritance: Autosomal dominant inheritance. Observed: 1 variant allele, 1 heterozygote.
Comment: This missense variant replaces glutamic acid with glutamine at codon 442 of the COL3A1 protein. To our knowledge, functional studies have not been reported for this variant. This variant has not been reported in individuals affected with COL3A1-related disorders in the literature. This variant has not been identified in the general population by the Genome Aggregation Database (gnomAD). The available evidence is insufficient to determine the role of this variant in disease conclusively. Therefore, this variant is classified as a Variant of Uncertain Significance.

This study involves interpretation of variants in research participants for the purpose of population health screening. Participant phenotype was not available at the time of variant classification. Additional details can be found in publication PMID: 35346344, PMCID: PMC8962531

NM_000090.4(COL3A1):c.1324G>C (p.Glu442Gln)

Gene: COL3A1 (collagen type III alpha 1 chain; plus strand). Cytogenetic location: 2q32.2.
Variant type: single nucleotide variant.
Coding change: c.1324G>C on transcript NM_000090.4 (MANE Select); coding-DNA position 1324, G replaced by C.
Protein change: p.Glu442Gln; replaces glutamic acid 442 with glutamine.
Molecular consequence: missense variant.
Genome position (GRCh38, 1-based): chr2:188,994,571, G>C. VCF-style: chr2-188994571-G-C. GRCh37 (hg19) VCF-style: chr2-189859297-G-C.
Other names: short protein forms E442Q.
Identifiers: ClinVar variation 3073761 (VCV003073761.2), dbSNP rs2469129522, ClinGen allele CA349851674.